The following is an entry in ClinVar:

NM_018398.3(CACNA2D3):c.2304C>G (p.Leu768=)

Genes: CACNA2D3 (calcium voltage-gated channel auxiliary subunit alpha2delta 3; plus strand), CACNA2D3-AS1 (CACNA2D3 antisense RNA 1; minus strand). Cytogenetic location: 3p14.3.
Variant type: single nucleotide variant.
Coding change: c.2304C>G on transcript NM_018398.3 (MANE Select); coding-DNA position 2304, C replaced by G.
Protein change: p.Leu768=; no amino-acid change (leucine 768 retained).
Molecular consequence: synonymous variant. On other transcripts: non-coding transcript variant (1).
Genome position (GRCh38, 1-based): chr3:54,896,806, C>G. VCF-style: chr3-54896806-C-G. GRCh37 (hg19) VCF-style: chr3-54930833-C-G.
Identifiers: ClinVar variation 2653905 (VCV002653905.24), dbSNP rs1469169292, ClinGen allele CA434006394.

ClinVar aggregate classification (germline): Likely benign (1 of 4 stars; one submission).

gnomAD v4.1: 3 of 1,614,058 alleles (0.00019%); highest among the groups gnomAD compares: Middle Eastern, 0.033%; no homozygotes.

Submission:

CeGaT Center for Human Genetics Tuebingen
Classification: Likely benign. Last evaluated: 2022-07-01. Review status: criteria provided, single submitter. Criteria: CeGaT Center For Human Genetics Tuebingen Variant Classification Criteria Version 2. Collection method: clinical testing. Allele origin: germline. Affected: yes. Observed: 1 variant allele.
Comment: CACNA2D3: BP4, BP7